The following is an entry in ClinVar:

NM_022765.4(MICAL1):c.2304+16_2304+33del

Gene: MICAL1 (microtubule associated monooxygenase, calponin and LIM domain containing 1; minus strand). Cytogenetic location: 6q21.
Variant type: Deletion.
Coding change: c.2304+16_2304+33del on transcript NM_022765.4 (MANE Select); bases 16 to 33 of the intron after coding-DNA position 2304, 18 bases deleted (GTGTATGTATATTGGGGC).
Molecular consequence: intron variant.
Genome position (GRCh38, 1-based): chr6:109,446,663-109,446,680, GCCCCAATATACATACAC deleted on the plus strand (GTGTATGTATATTGGGGC on the coding strand, the reverse complement: MICAL1 is on the minus strand); deleting any 18 consecutive bases within chr6:109,446,663-109,446,683 gives the same sequence; the c. name uses the placement nearest the transcript's 3' end. VCF-style (leftmost placement, unchanged base first): chr6-109446662-TGCCCCAATATACATACAC-T. GRCh37 (hg19) VCF-style: chr6-109767865-TGCCCCAATATACATACAC-T.
Other names: c.2361+16_2361+33del (NM_001286613.2); c.2046+16_2046+33del (NM_001159291.2).
Identifiers: ClinVar variation 4740553 (VCV004740553.1).
Genomic context (GRCh38, chr6:109,446,662, plus strand): 5'-GACGACATTCAGTTACCCCCAGCAAAGCGCTGGTTTGACGAGACCCTCTTCCTCTTCCCA[TGCCCCAATATACATACAC>T]GCCTTCAGTCTTTACCGGACTCTCAGGGCCTCTATCGCTGCCTTCCGCTTTGTGGTCTGT-3'

ClinVar aggregate classification (germline): Uncertain significance (1 of 4 stars; one submission).

Submission:

Labcorp Genetics (formerly Invitae), Labcorp
Classification: Uncertain significance. Last evaluated: 2025-09-16. Review status: criteria provided, single submitter. Criteria: Invitae Variant Classification Sherloc (09022015). Collection method: clinical testing. Allele origin: germline.
Comment: This sequence change falls in intron 18 of the MICAL1 gene. It does not directly change the encoded amino acid sequence of the MICAL1 protein. This variant is not present in population databases (gnomAD no frequency). This variant has not been reported in the literature in individuals affected with MICAL1-related conditions. Experimental studies and prediction algorithms are not available or were not evaluated, and the effect of this variant on mRNA splicing is currently unknown. In summary, the available evidence is currently insufficient to determine the role of this variant in disease. Therefore, it has been classified as a Variant of Uncertain Significance.